The following is an entry in ClinVar:

ClinVar aggregate classification (germline): Uncertain significance. Review status: criteria provided, multiple submitters, no conflicts (2 of 4 stars). 2 submissions from 2 submitters: Uncertain significance (2). Last evaluated 2024-08-06.

Conditions:
Arrhythmogenic right ventricular dysplasia 8 (ARVD8). Also called: ARRHYTHMOGENIC RIGHT VENTRICULAR DYSPLASIA, FAMILIAL, 8; ARRHYTHMOGENIC RIGHT VENTRICULAR CARDIOMYOPATHY 8; Arrhythmogenic Right Ventricular Dysplasia/Cardiomyopathy 8. Identifiers: MedGen C1843896, MONDO:0011831, OMIM 607450.
Arrhythmogenic cardiomyopathy with wooly hair and keratoderma. Also called: Carvajal syndrome; Dilated cardiomyopathy with woolly hair and keratoderma; PALMOPLANTAR KERATODERMA WITH LEFT VENTRICULAR CARDIOMYOPATHY AND WOOLLY HAIR; Arrhythmogenic cardiomyopathy with woolly hair and keratoderma. Identifiers: Orphanet 65282, MedGen C1854063, MONDO:0011581, OMIM 605676.

Allele frequency attached by ClinVar (database versions not stated): TOPMed below 0.00001.

Submissions (2):

All of Us Research Program, National Institutes of Health
Classification: Uncertain significance for Arrhythmogenic cardiomyopathy with wooly hair and keratoderma. Last evaluated: 2024-08-06. Review status: criteria provided, single submitter. Criteria: ACMG Guidelines, 2015. Collection method: clinical testing. Allele origin: germline. Inheritance: Autosomal dominant inheritance. Observed: 1 variant allele, 1 heterozygote.
Comment: This study involves interpretation of variants in research participants for the purpose of population health screening. Participant phenotype was not available at the time of variant classification. Additional details can be found in publication PMID: 35346344, PMCID: PMC8962531

Labcorp Genetics (formerly Invitae), Labcorp
Classification: Uncertain significance for Arrhythmogenic cardiomyopathy with wooly hair and keratoderma; Arrhythmogenic right ventricular dysplasia 8. Last evaluated: 2022-11-01. Review status: criteria provided, single submitter. Criteria: Invitae Variant Classification Sherloc (09022015). Collection method: clinical testing. Allele origin: germline.
Comment: This variant has not been reported in the literature in individuals affected with DSP-related conditions. This variant is not present in population databases (gnomAD no frequency). This sequence change replaces isoleucine, which is neutral and non-polar, with methionine, which is neutral and non-polar, at codon 1483 of the DSP protein (p.Ile1483Met). ClinVar contains an entry for this variant (Variation ID: 1387683). In summary, the available evidence is currently insufficient to determine the role of this variant in disease. Therefore, it has been classified as a Variant of Uncertain Significance. Algorithms developed to predict the effect of missense changes on protein structure and function are either unavailable or do not agree on the potential impact of this missense change (SIFT: "Deleterious"; PolyPhen-2: "Benign"; Align-GVGD: "Class C0").

NM_004415.4(DSP):c.4449A>G (p.Ile1483Met)

Gene: DSP (desmoplakin; plus strand). Cytogenetic location: 6p24.3.
Variant type: single nucleotide variant.
Coding change: c.4449A>G on transcript NM_004415.4 (MANE Select); coding-DNA position 4449, A replaced by G.
Protein change: p.Ile1483Met; replaces isoleucine 1483 with methionine.
Molecular consequence: missense variant. On other transcripts: intron variant (2).
Genome position (GRCh38, 1-based): chr6:7,580,639, A>G. VCF-style: chr6-7580639-A-G. GRCh37 (hg19) VCF-style: chr6-7580872-A-G.
Other names: c.4050+399A>G (NM_001319034.2); c.3582+867A>G (NM_001008844.3); short protein forms I1483M.
Identifiers: ClinVar variation 1387683 (VCV001387683.7), dbSNP rs1308817559, ClinGen allele CA362686338.